The following is an entry in ClinVar:

ClinVar aggregate classification (germline): Uncertain significance. Review status: criteria provided, multiple submitters, no conflicts (2 of 4 stars). 2 submissions from 2 submitters: Uncertain significance (2). Last evaluated 2023-10-03.

Conditions:
Fanconi renotubular syndrome 2 (FRTS2). Identifiers: MedGen C3150652, MONDO:0013247, OMIM 613388.
Hypophosphatemic nephrolithiasis/osteoporosis 1. Identifiers: Orphanet 244305, MedGen C2676786, MONDO:0012850, OMIM 612286.
Hypercalcemia, infantile, 2 (HCINF2). Identifiers: Orphanet 300547, MedGen C4310473, MONDO:0014851, OMIM 616963.

Allele frequency attached by ClinVar (database versions not stated): ExAC 0.00001; gnomAD exomes 0.00003 and 0.00010; 1000 Genomes Project 30x 0.00016; 1000 Genomes Project 0.00020; TOPMed 0.00039; gnomAD 0.00049 and 0.00051.
gnomAD v4.1: 108 of 1,603,870 alleles (0.0067%); highest among the groups gnomAD compares: Admixed American, 0.18%; no homozygotes.

Submissions (2):

Labcorp Genetics (formerly Invitae), Labcorp
Classification: Uncertain significance. Last evaluated: 2023-10-03. Review status: criteria provided, single submitter. Criteria: Invitae Variant Classification Sherloc (09022015). Collection method: clinical testing. Allele origin: germline.
Comment: This sequence change replaces aspartic acid, which is acidic and polar, with alanine, which is neutral and non-polar, at codon 209 of the SLC34A1 protein (p.Asp209Ala). This variant is present in population databases (rs201109695, gnomAD 0.07%). This variant has not been reported in the literature in individuals affected with SLC34A1-related conditions. ClinVar contains an entry for this variant (Variation ID: 1374399). Advanced modeling of protein sequence and biophysical properties (such as structural, functional, and spatial information, amino acid conservation, physicochemical variation, residue mobility, and thermodynamic stability) performed at Invitae indicates that this missense variant is not expected to disrupt SLC34A1 protein function. In summary, the available evidence is currently insufficient to determine the role of this variant in disease. Therefore, it has been classified as a Variant of Uncertain Significance.

Fulgent Genetics
Classification: Uncertain significance for Hypophosphatemic nephrolithiasis/osteoporosis 1; Fanconi renotubular syndrome 2; Hypercalcemia, infantile, 2. Last evaluated: 2022-05-14. Review status: criteria provided, single submitter. Criteria: ACMG Guidelines, 2015. Collection method: clinical testing. Allele origin: unknown.

NM_003052.5(SLC34A1):c.626A>C (p.Asp209Ala)

Gene: SLC34A1 (solute carrier family 34 member 1; plus strand). Cytogenetic location: 5q35.3.
Variant type: single nucleotide variant.
Coding change: c.626A>C on transcript NM_003052.5 (MANE Select); coding-DNA position 626, A replaced by C.
Protein change: p.Asp209Ala; replaces aspartic acid 209 with alanine.
Molecular consequence: missense variant.
Genome position (GRCh38, 1-based): chr5:177,387,855, A>C. VCF-style: chr5-177387855-A-C. GRCh37 (hg19) VCF-style: chr5-176814856-A-C.
Other names: c.626A>C, p.Asp209Ala (NM_001167579.2); short protein forms D209A.
Identifiers: ClinVar variation 1374399 (VCV001374399.5), dbSNP rs201109695, ClinGen allele CA3580457.
Genomic context (GRCh38, chr5:177,387,855, plus strand): 5'-TGGGCTCCAACATCGGCACCTCTGTCACCAACACCATCGTGGCCCTGATGCAGGCGGGGG[A>C]CAGGACTGACTTCCGGCGGTGAGGGGGGCTGGGGGTTGGGGGCTCGTGCCTGGGGGAGGA-3'
Protein context (NP_003043.3, residues 199-219): NTIVALMQAG[Asp209Ala]RTDFRRAFAG